The following is an entry in ClinVar:

ClinVar aggregate classification (germline): Conflicting classifications of pathogenicity. Review status: criteria provided, conflicting classifications (1 of 4 stars). 2 submissions from 2 submitters: Pathogenic (1); Uncertain significance (1). Last evaluated 2024-08-21.

Conditions:
Congenital prothrombin deficiency. Also called: Factor II deficiency; HYPOPROTHROMBINEMIA; Hereditary factor II deficiency disease; Inherited hypoprothrombinemia; Congenital factor II deficiency; Inherited prothrombin deficiency. Identifiers: Orphanet 325, MedGen C0272317, MONDO:0013361, OMIM 613679.

Allele frequency attached by ClinVar (database versions not stated): gnomAD exomes below 0.00001; TOPMed 0.00001.

Submissions (2):

Mayo Clinic Laboratories, Mayo Clinic
Classification: Uncertain significance. Last evaluated: 2024-08-21. Review status: criteria provided, single submitter. Criteria: ACMG Guidelines, 2015. Collection method: clinical testing. Allele origin: germline. Observed: 1 variant allele.
Comment: PP3, PM1_supporting, PM2

MVZ Martinsried, Medicover Genetics
Classification: Pathogenic for Congenital prothrombin deficiency. Last evaluated: 2023-07-07. Review status: criteria provided, single submitter. Criteria: ACGS Guidelines, 2020. Collection method: clinical testing. Allele origin: unknown. Affected: yes.

Literature cited by the submitters: PubMed 10627484 (cited by Mayo Clinic Laboratories, Mayo Clinic); PubMed 34265300 (cited by Mayo Clinic Laboratories, Mayo Clinic).

NM_000506.5(F2):c.1088G>A (p.Arg363His)

Gene: F2 (coagulation factor II, thrombin; plus strand). Cytogenetic location: 11p11.2.
Variant type: single nucleotide variant.
Coding change: c.1088G>A on transcript NM_000506.5 (MANE Select); coding-DNA position 1088, G replaced by A.
Protein change: p.Arg363His; replaces arginine 363 with histidine.
Molecular consequence: missense variant.
Genome position (GRCh38, 1-based): chr11:46,726,795, G>A. VCF-style: chr11-46726795-G-A. GRCh37 (hg19) VCF-style: chr11-46748345-G-A.
Other names: p.Arg363His; short protein forms R363H.
Identifiers: ClinVar variation 2683974 (VCV002683974.2), dbSNP rs2064876977, ClinGen allele CA380267942.
Genomic context (GRCh38, chr11:46,726,795, plus strand): 5'-AGAAGAAGTCGCTGGAGGACAAAACCGAAAGAGAGCTCCTGGAATCCTACATCGACGGGC[G>A]CATTGTGGAGGGCTCGGATGCAGAGATCGGCATGTCACCTTGGTGTGTCCTGGAGCCCTG-3'
Protein context (NP_000497.1, residues 353-373): RELLESYIDG[Arg363His]IVEGSDAEIG